The following is an entry in ClinVar:

NM_022893.4(BCL11A):c.385+29493A>G

Gene: BCL11A (BCL11 transcription factor A; minus strand). Cytogenetic location: 2p16.1.
Variant type: single nucleotide variant.
Coding change: c.385+29493A>G on transcript NM_022893.4 (MANE Select); 29493 bases into the intron after coding-DNA position 385, A replaced by G.
Molecular consequence: intron variant. On other transcripts: missense variant (2), initiator codon variant (2).
Genome position (GRCh38, 1-based): chr2:60,516,478, T>C on the plus strand (A>G on the coding strand, the complement: BCL11A is on the minus strand). VCF-style: chr2-60516478-T-C. GRCh37 (hg19) VCF-style: chr2-60743613-T-C.
Other names: c.1A>G, p.Met1Val (NM_001405720.1, NM_001405721.1); c.385+29493A>G (NM_138559.2, NM_018014.4, NM_001363864.1 and 10 more transcripts); c.-290-7654A>G (NM_001405731.1, NM_001405726.1, NM_001405725.1); c.229+29493A>G (NM_001405735.1, NM_001405722.1, NM_001405736.1 and 10 more transcripts); c.-148+29493A>G (NM_001405728.1, NM_001405727.1); short protein forms M1V.
Identifiers: ClinVar variation 2650968 (VCV002650968.24), dbSNP rs565764220, ClinGen allele CA49024065.

ClinVar aggregate classification (germline): Benign (1 of 4 stars; one submission).

Allele frequency attached by ClinVar (database versions not stated): 1000 Genomes Project 0.00060; 1000 Genomes Project 30x 0.00078; gnomAD 0.00157; TOPMed 0.00179.
gnomAD v4.1: 238 of 152,340 alleles (0.16%); highest among the groups gnomAD compares: Non-Finnish European, 0.26%; no homozygotes.

Submission:

CeGaT Center for Human Genetics Tuebingen
Classification: Benign. Last evaluated: 2022-08-01. Review status: criteria provided, single submitter. Criteria: CeGaT Center For Human Genetics Tuebingen Variant Classification Criteria Version 2. Collection method: clinical testing. Allele origin: germline. Affected: yes. Observed: 1 variant allele.
Comment: BCL11A: BS1, BS2